The following is an entry in ClinVar:

NM_002495.4(NDUFS4):c.487A>G (p.Asn163Asp)

Gene: NDUFS4 (NADH:ubiquinone oxidoreductase subunit S4; plus strand). Cytogenetic location: 5q11.2.
Variant type: single nucleotide variant.
Coding change: c.487A>G on transcript NM_002495.4 (MANE Select); coding-DNA position 487, A replaced by G.
Protein change: p.Asn163Asp; replaces asparagine 163 with aspartic acid.
Molecular consequence: missense variant. On other transcripts: 3 prime UTR variant (1), non-coding transcript variant (3).
Genome position (GRCh38, 1-based): chr5:53,683,180, A>G. VCF-style: chr5-53683180-A-G. GRCh37 (hg19) VCF-style: chr5-52979010-A-G.
Other names: c.*50A>G (NM_001318051.2); short protein forms N163D.
Identifiers: ClinVar variation 618751 (VCV000618751.11), dbSNP rs371127738, ClinGen allele CA3264347.

ClinVar aggregate classification (germline): Uncertain significance. Review status: criteria provided, multiple submitters, no conflicts (2 of 4 stars). 2 submissions from 2 submitters: Uncertain significance (2). Last evaluated 2021-10-26.

Conditions:
Inborn genetic diseases. Identifiers: MedGen C0950123, MeSH D030342.

Allele frequency attached by ClinVar (database versions not stated): gnomAD 0.00002 and 0.00003; TOPMed 0.00004; ESP Exome Variant Server 0.00008; ExAC 0.00009; gnomAD exomes 0.00009; 1000 Genomes Project 0.00020; 1000 Genomes Project 30x 0.00031.
gnomAD v4.1: 89 of 1,612,394 alleles (0.0055%); highest among the groups gnomAD compares: South Asian, 0.087%; 1 homozygote.

Submissions (2):

Ambry Genetics
Classification: Uncertain significance for Inborn genetic diseases. Last evaluated: 2021-10-26. Review status: criteria provided, single submitter. Criteria: Ambry Variant Classification Scheme 2023. Collection method: clinical testing. Allele origin: germline.

ARUP Laboratories, Molecular Genetics and Genomics, ARUP Laboratories
Classification: Uncertain significance. Last evaluated: 2017-09-16. Review status: criteria provided, single submitter. Criteria: ARUP Molecular Germline Variant Investigation Process. Collection method: clinical testing. Allele origin: germline.
Comment: The p.Asn163Asp variant (rs371127738) has not been reported in the medical literature, is not listed in gene-specific variant databases, and has not been previously identified in our laboratory. The p.Asn163Asp variant is listed in the Genome Aggregation Database (gnomAD) browser with an allele frequency of 0.075% in the South Asian population (identified in 23 out of 30,780 chromosomes; 1 homozygote). The asparagine at codon 163 is highly conserved considering 12 species up to C. elegans (Alamut software v2.9.0), and computational analyses suggest that this variant affects the structure/function of the NDUFS4 protein (SIFT: damaging, PolyPhen2: probably damaging, MutationTaster: disease causing). Based on the available information, the clinical significance of the NDUFS4 variant cannot be determined with certainty.